The following is an entry in ClinVar:

NM_012062.5(DNM1L):c.619+13G>C

Gene: DNM1L (dynamin 1 like; plus strand). Cytogenetic location: 12p11.21.
Variant type: single nucleotide variant.
Coding change: c.619+13G>C on transcript NM_012062.5 (MANE Select); 13 bases into the intron after coding-DNA position 619, G replaced by C.
Molecular consequence: intron variant.
Genome position (GRCh38, 1-based): chr12:32,713,384, G>C. VCF-style: chr12-32713384-G-C. GRCh37 (hg19) VCF-style: chr12-32866318-G-C.
Other names: c.658+13G>C (NM_001278464.2, NM_001278465.2, NM_001330380.2); c.131+5971G>C (NM_001278466.2); c.619+13G>C (NM_001278463.2, NM_012063.4, NM_005690.5).
Identifiers: ClinVar variation 506829 (VCV000506829.5), dbSNP rs1285837974, ClinGen allele CA658797859.

ClinVar aggregate classification (germline): Likely benign. Review status: criteria provided, multiple submitters, no conflicts (2 of 4 stars). 2 submissions from 2 submitters: Likely benign (2). Last evaluated 2025-02-23.

Submissions (2):

Labcorp Genetics (formerly Invitae), Labcorp
Classification: Likely benign. Last evaluated: 2025-02-23. Review status: criteria provided, single submitter. Criteria: Invitae Variant Classification Sherloc (09022015). Collection method: clinical testing. Allele origin: germline.

GeneDx
Classification: Likely benign. Last evaluated: 2017-01-20. Review status: criteria provided, single submitter. Criteria: GeneDx Variant Classification (06012015). Collection method: clinical testing. Allele origin: germline. Affected: yes.
Comment: This variant is considered likely benign or benign based on one or more of the following criteria: it is a conservative change, it occurs at a poorly conserved position in the protein, it is predicted to be benign by multiple in silico algorithms, and/or has population frequency not consistent with disease.